The following is an entry in ClinVar:

NM_001267550.2(TTN):c.78130A>G (p.Ile26044Val)

Genes: TTN (titin; minus strand), TTN-AS1 (TTN antisense RNA 1; plus strand). Cytogenetic location: 2q31.2.
Variant type: single nucleotide variant.
Coding change: c.78130A>G on transcript NM_001267550.2 (MANE Select); coding-DNA position 78130, A replaced by G.
Protein change: p.Ile26044Val; replaces isoleucine 26044 with valine.
Molecular consequence: missense variant.
Genome position (GRCh38, 1-based): chr2:178,568,002, T>C on the plus strand (A>G on the coding strand, the complement: TTN is on the minus strand). VCF-style: chr2-178568002-T-C. GRCh37 (hg19) VCF-style: chr2-179432729-T-C.
Other names: p.I23476V:ATT>GTT; c.73207A>G, p.Ile24403Val (NM_001256850.1); c.50935A>G, p.Ile16979Val (NM_003319.4); c.70426A>G, p.Ile23476Val (NM_133378.4); c.51310A>G, p.Ile17104Val (NM_133432.3); c.51511A>G, p.Ile17171Val (NM_133437.4); short protein forms I23476V, I26044V, I24403V, I16979V, I17104V, I17171V.
Identifiers: ClinVar variation 202331 (VCV000202331.3), dbSNP rs755172743, ClinGen allele CA309111.

ClinVar aggregate classification (germline): Likely benign (1 of 4 stars; one submission).

Allele frequency attached by ClinVar (database versions not stated): gnomAD 0.00001 and below 0.00001; gnomAD exomes 0.00001 and 0.00004; ExAC 0.00004; TOPMed below 0.00001.
gnomAD v4.1: 11 of 1,613,392 alleles (0.00068%); highest among the groups gnomAD compares: South Asian, 0.012%; no homozygotes.

Submission:

GeneDx
Classification: Likely benign. Last evaluated: 2012-09-26. Review status: criteria provided, single submitter. Criteria: GeneDx Variant Classification (06012015). Collection method: clinical testing. Allele origin: germline. Affected: yes.
Comment: This variant is considered likely benign or benign based on one or more of the following criteria: it is a conservative change, it occurs at a poorly conserved position in the protein, it is predicted to be benign by multiple in silico algorithms, and/or has population frequency not consistent with disease.